The following is an entry in ClinVar:

NM_001374828.1(ARID1B):c.1046T>G (p.Met349Arg)

Gene: ARID1B (AT-rich interaction domain 1B; plus strand). Cytogenetic location: 6q25.3.
Variant type: single nucleotide variant.
Coding change: c.1046T>G on transcript NM_001374828.1 (MANE Select); coding-DNA position 1046, T replaced by G.
Protein change: p.Met349Arg; replaces methionine 349 with arginine.
Molecular consequence: missense variant.
Genome position (GRCh38, 1-based): chr6:156,778,726, T>G. VCF-style: chr6-156778726-T-G. GRCh37 (hg19) VCF-style: chr6-157099860-T-G.
Other names: c.797T>G (NM_020732.3); c.1046T>G, p.Met349Arg (NM_001371656.1, NM_001374820.1, NM_017519.3); short protein forms M349R.
Identifiers: ClinVar variation 930931 (VCV000930931.3), dbSNP rs1401971317, ClinGen allele CA366382943.

ClinVar aggregate classification (germline): Uncertain significance (1 of 4 stars; one submission).

Conditions:
Coffin-Siris syndrome 1 (CSS1). Also called: Mental retardation, autosomal dominant 12; ARID1B-Related Coffin-Siris Syndrome. Identifiers: Orphanet 1465, MedGen C3281201, MONDO:0007617, OMIM 135900. Disease mechanism: gain of function.

Allele frequency attached by ClinVar (database versions not stated): gnomAD exomes 0.00001 and 0.00002.
gnomAD v4.1: 8 of 1,522,000 alleles (0.00053%); highest among the groups gnomAD compares: East Asian, 0.0027%; no homozygotes.

Submission:

Centre for Mendelian Genomics, University Medical Centre Ljubljana
Classification: Uncertain significance for Coffin-Siris syndrome 1. Last evaluated: 2018-10-22. Review status: criteria provided, single submitter. Criteria: ACMG Guidelines, 2015. Collection method: clinical testing. Allele origin: unknown. Affected: yes.
Comment: This variant was classified as: Uncertain significance. The available evidence on this variant's pathogenicity is insufficient or conflicting. The following ACMG criteria were applied in classifying this variant: BP1.